The following is an entry in ClinVar:

NM_004336.5(BUB1):c.601T>C (p.Cys201Arg)

Gene: BUB1 (BUB1 mitotic checkpoint serine/threonine kinase; minus strand). Cytogenetic location: 2q13.
Variant type: single nucleotide variant.
Coding change: c.601T>C on transcript NM_004336.5 (MANE Select); coding-DNA position 601, T replaced by C.
Protein change: p.Cys201Arg; replaces cysteine 201 with arginine.
Molecular consequence: missense variant.
Genome position (GRCh38, 1-based): chr2:110,667,816, A>G on the plus strand (T>C on the coding strand, the complement: BUB1 is on the minus strand). VCF-style: chr2-110667816-A-G. GRCh37 (hg19) VCF-style: chr2-111425393-A-G.
Other names: c.541T>C, p.Cys181Arg (NM_001278616.2); c.601T>C, p.Cys201Arg (NM_001278617.2); short protein forms C201R, C181R.
Identifiers: ClinVar variation 4744436 (VCV004744436.1).

ClinVar aggregate classification (germline): Uncertain significance (1 of 4 stars; one submission).

gnomAD v4.1: 3 of 1,613,498 alleles (0.00019%); highest among the groups gnomAD compares: Admixed American, 0.005%; no homozygotes.

Submission:

Labcorp Genetics (formerly Invitae), Labcorp
Classification: Uncertain significance. Last evaluated: 2025-10-21. Review status: criteria provided, single submitter. Criteria: Invitae Variant Classification Sherloc (09022015). Collection method: clinical testing. Allele origin: germline.
Comment: This sequence change replaces cysteine, which is neutral and slightly polar, with arginine, which is basic and polar, at codon 201 of the BUB1 protein (p.Cys201Arg). This variant is present in population databases (rs773418159, gnomAD 0.01%). This variant has not been reported in the literature in individuals affected with BUB1-related conditions. Experimental studies and prediction algorithms are not available or were not evaluated, and the functional significance of this variant is currently unknown. In summary, the available evidence is currently insufficient to determine the role of this variant in disease. Therefore, it has been classified as a Variant of Uncertain Significance.